The following is an entry in ClinVar:

NM_015910.7(WDPCP):c.805T>C (p.Tyr269His)

Gene: WDPCP (WD repeat containing planar cell polarity effector; minus strand). Cytogenetic location: 2p15.
Variant type: single nucleotide variant.
Coding change: c.805T>C on transcript NM_015910.7 (MANE Select); coding-DNA position 805, T replaced by C.
Protein change: p.Tyr269His; replaces tyrosine 269 with histidine.
Molecular consequence: missense variant. On other transcripts: non-coding transcript variant (3).
Genome position (GRCh38, 1-based): chr2:63,433,765, A>G on the plus strand (T>C on the coding strand, the complement: WDPCP is on the minus strand). VCF-style: chr2-63433765-A-G. GRCh37 (hg19) VCF-style: chr2-63660899-A-G.
Other names: c.328T>C, p.Tyr110His (NM_001042692.3); c.733T>C, p.Tyr245His (NM_001354044.2); c.805T>C, p.Tyr269His (NM_001354045.2); short protein forms Y110H, Y269H, Y245H.
Identifiers: ClinVar variation 971913 (VCV000971913.6), dbSNP rs1374748295, ClinGen allele CA347062267.

ClinVar aggregate classification (germline): Uncertain significance (1 of 4 stars; one submission).

Conditions:
Bardet-Biedl syndrome (BBS). Identifiers: Orphanet 110, MedGen C0752166, MONDO:0015229.

Allele frequency attached by ClinVar (database versions not stated): TOPMed below 0.00001; gnomAD 0.00001.
gnomAD v4.1: 1 of 1,613,188 alleles (0.000062%); highest among the groups gnomAD compares: Middle Eastern, 0.016%; no homozygotes.

Submission:

Labcorp Genetics (formerly Invitae), Labcorp
Classification: Uncertain significance for Bardet-Biedl syndrome. Last evaluated: 2022-01-06. Review status: criteria provided, single submitter. Criteria: Invitae Variant Classification Sherloc (09022015). Collection method: clinical testing. Allele origin: germline.
Comment: In summary, the available evidence is currently insufficient to determine the role of this variant in disease. Therefore, it has been classified as a Variant of Uncertain Significance. Algorithms developed to predict the effect of missense changes on protein structure and function output the following: SIFT: "Tolerated"; PolyPhen-2: "Benign"; Align-GVGD: "Class C0". The histidine amino acid residue is found in multiple mammalian species, which suggests that this missense change does not adversely affect protein function. ClinVar contains an entry for this variant (Variation ID: 971913). This variant has not been reported in the literature in individuals affected with WDPCP-related conditions. This variant is not present in population databases (gnomAD no frequency). This sequence change replaces tyrosine, which is neutral and polar, with histidine, which is basic and polar, at codon 269 of the WDPCP protein (p.Tyr269His).